The following is an entry in ClinVar:

NM_000090.4(COL3A1):c.2963T>A (p.Leu988His)

Gene: COL3A1 (collagen type III alpha 1 chain; plus strand). Cytogenetic location: 2q32.2.
Variant type: single nucleotide variant.
Coding change: c.2963T>A on transcript NM_000090.4 (MANE Select); coding-DNA position 2963, T replaced by A.
Protein change: p.Leu988His; replaces leucine 988 with histidine.
Molecular consequence: missense variant.
Genome position (GRCh38, 1-based): chr2:189,005,381, T>A. VCF-style: chr2-189005381-T-A. GRCh37 (hg19) VCF-style: chr2-189870107-T-A.
Other names: short protein forms L988H.
Identifiers: ClinVar variation 459781 (VCV000459781.10), dbSNP rs770525372, ClinGen allele CA075758.
Genomic context (GRCh38, chr2:189,005,381, plus strand): 5'-CAAAATGTTTTTCATTCCTTTGTATACAGGGTGAAAGTGGGAAACCAGGAGCTAACGGTC[T>A]CAGTGGAGAACGTGGTCCCCCTGGACCCCAGGGTCTTCCTGGTCTGGCTGGTACAGCTGG-3'
Protein context (NP_000081.2, residues 978-998): GESGKPGANG[Leu988His]SGERGPPGPQ

ClinVar aggregate classification (germline): Conflicting classifications of pathogenicity. Review status: criteria provided, conflicting classifications (1 of 4 stars). 4 submissions from 4 submitters: Uncertain significance (3); Likely benign (1). Last evaluated 2025-08-22.

Conditions:
Polymicrogyria with or without vascular-type Ehlers-Danlos syndrome. Identifiers: Orphanet 636941, MedGen C5193040, MONDO:0032688, OMIM 618343.
Ehlers-Danlos syndrome, type 4 (EDSVASC). Also called: Ehlers-Danlos syndrome vascular type; Ehlers Danlos syndrome, ecchymotic type; Ehlers Danlos syndrome, arterial type; Ehlers Danlos syndrome, Sack-Barabas type; Ehlers-Danlos Syndrome Type IV. Identifiers: Orphanet 286, MedGen C0268338, MONDO:0017314, OMIM 130050.
Familial thoracic aortic aneurysm and aortic dissection (TAAD). Also called: Thoracic aortic aneurysms and dissections. Identifiers: Orphanet 91387, MedGen C4707243, MONDO:0019625.

Allele frequency attached by ClinVar (database versions not stated): gnomAD exomes below 0.00001 and 0.00001; TOPMed below 0.00001; ExAC 0.00001.
gnomAD v4.1: 7 of 1,614,168 alleles (0.00043%); highest among the groups gnomAD compares: Admixed American, 0.012%; no homozygotes.

Submissions (4):

Labcorp Genetics (formerly Invitae), Labcorp
Classification: Uncertain significance for Ehlers-Danlos syndrome, type 4. Last evaluated: 2025-08-22. Review status: criteria provided, single submitter. Criteria: Invitae Variant Classification Sherloc (09022015). Collection method: clinical testing. Allele origin: germline.
Comment: This sequence change replaces leucine, which is neutral and non-polar, with histidine, which is basic and polar, at codon 988 of the COL3A1 protein (p.Leu988His). This variant is present in population databases (rs770525372, gnomAD 0.003%). This variant has not been reported in the literature in individuals affected with COL3A1-related conditions. ClinVar contains an entry for this variant (Variation ID: 459781). Invitae Evidence Modeling of protein sequence and biophysical properties (such as structural, functional, and spatial information, amino acid conservation, physicochemical variation, residue mobility, and thermodynamic stability) indicates that this missense variant is not expected to disrupt COL3A1 protein function with a negative predictive value of 95%. In summary, the available evidence is currently insufficient to determine the role of this variant in disease. Therefore, it has been classified as a Variant of Uncertain Significance.

Color Diagnostics, LLC DBA Color Health
Classification: Uncertain significance for Familial thoracic aortic aneurysm and aortic dissection. Last evaluated: 2025-06-09. Review status: criteria provided, single submitter. Criteria: ACMG Guidelines, 2015. Collection method: clinical testing. Allele origin: germline.
Comment: This missense variant replaces leucine with histidine at codon 988 of the COL3A1 protein. Computational prediction suggests that this variant may not impact protein structure and function. To our knowledge, functional studies have not been reported for this variant. This variant has not been reported in individuals affected with COL3A1-related disorders in the literature. This variant has been identified in 1/251452 chromosomes in the general population by the Genome Aggregation Database (gnomAD). The available evidence is insufficient to determine the role of this variant in disease conclusively. Therefore, this variant is classified as a Variant of Uncertain Significance.

Ambry Genetics
Classification: Likely benign for Familial thoracic aortic aneurysm and aortic dissection. Last evaluated: 2024-03-26. Review status: criteria provided, single submitter. Criteria: Ambry Variant Classification Scheme 2023. Collection method: clinical testing. Allele origin: germline.

Fulgent Genetics
Classification: Uncertain significance for Ehlers-Danlos syndrome, type 4; Polymicrogyria with or without vascular-type Ehlers-Danlos syndrome. Last evaluated: 2021-10-20. Review status: criteria provided, single submitter. Criteria: ACMG Guidelines, 2015. Collection method: clinical testing. Allele origin: unknown.